The following is an entry in ClinVar:

NM_001042413.2(GLIS3):c.*3257A>G

Gene: GLIS3 (GLIS family zinc finger 3; minus strand). Cytogenetic location: 9p24.2.
Variant type: single nucleotide variant.
Coding change: c.*3257A>G on transcript NM_001042413.2 (MANE Select); 3257 bases downstream of the stop codon, A replaced by G.
Molecular consequence: 3 prime UTR variant.
Genome position (GRCh38, 1-based): chr9:3,825,015, T>C on the plus strand (A>G on the coding strand, the complement: GLIS3 is on the minus strand). VCF-style: chr9-3825015-T-C. GRCh37 (hg19) VCF-style: chr9-3825015-T-C.
Other names: c.*3257A>G (NM_152629.4).
Identifiers: ClinVar variation 366897 (VCV000366897.6), dbSNP rs117876027, ClinGen allele CA10627338.

ClinVar aggregate classification (germline): Benign. Review status: criteria provided, multiple submitters, no conflicts (2 of 4 stars). 2 submissions from 2 submitters: Benign (2). Last evaluated 2018-01-13.

Conditions:
Neonatal diabetes mellitus with congenital hypothyroidism. Also called: NDH SYNDROME. Identifiers: Orphanet 79118, MedGen C1857775, MONDO:0012436, OMIM 610199.

Allele frequency attached by ClinVar (database versions not stated): 1000 Genomes Project 30x 0.00547; 1000 Genomes Project 0.00639; TOPMed 0.01522; gnomAD 0.01794 and 0.01860.

Submissions (2):

Illumina Laboratory Services, Illumina
Classification: Benign for Neonatal diabetes mellitus with congenital hypothyroidism. Last evaluated: 2018-01-13. Review status: criteria provided, single submitter. Criteria: ICSL Variant Classification Criteria 13 December 2019. Collection method: clinical testing. Allele origin: germline.
Comment: This variant was observed in the ICSL laboratory as part of a predisposition screen in an ostensibly healthy population. It had not been previously curated by ICSL or reported in the Human Gene Mutation Database (HGMD: prior to June 1st, 2018), and was therefore a candidate for classification through an automated scoring system. Utilizing variant allele frequency, disease prevalence and penetrance estimates, and inheritance mode, an automated score was calculated to assess if this variant is too frequent to cause the disease. Based on the score and internal cut-off values, a variant classified as benign is not then subjected to further curation. The score for this variant resulted in a classification of benign for this disease.

Breakthrough Genomics
Classification: Benign. Review status: criteria provided, single submitter. Criteria: ACMG Guidelines, 2015. Collection method: not provided. Allele origin: germline. Inheritance: Autosomal recessive inheritance. Affected: yes.